The following is an entry in ClinVar:

NM_000124.4(ERCC6):c.1815del (p.His605fs)

Gene: ERCC6 (ERCC excision repair 6, chromatin remodeling factor; minus strand). Cytogenetic location: 10q11.23.
Variant type: Deletion.
Coding change: c.1815del on transcript NM_000124.4 (MANE Select); coding-DNA position 1815, one base deleted (C; older notation c.1815delC).
Protein change: p.His605fs; shifts the reading frame from histidine 605.
Molecular consequence: frameshift variant.
Genome position (GRCh38, 1-based): chr10:49,493,123, G deleted on the plus strand (C on the coding strand, the reverse complement: ERCC6 is on the minus strand). VCF-style (leftmost placement, unchanged base first): chr10-49493122-TG-T. GRCh37 (hg19) VCF-style: chr10-50701168-TG-T.
Other names: c.1815del, p.His605fs (NM_001346440.2); short protein forms H605fs.
Identifiers: ClinVar variation 1725886 (VCV001725886.2), dbSNP rs2496032960, ClinGen allele CA2580081535.

ClinVar aggregate classification (germline): Likely pathogenic (1 of 4 stars; one submission).

Conditions:
Cockayne syndrome type 2 (CSB). Also called: COCKAYNE SYNDROME B; Cockayne Syndrome, Type II. Identifiers: Orphanet 191, Orphanet 90322, MedGen C0751038, MONDO:0019570, OMIM 133540.

Submission:

Myriad Genetics, Inc.
Classification: Likely pathogenic for Cockayne syndrome type 2. Last evaluated: 2022-04-05. Review status: criteria provided, single submitter. Criteria: Myriad Women's Health Autosomal Recessive and X-Linked Classification Criteria (2021). Collection method: clinical testing. Allele origin: unknown.
Comment: NM_000124.2(ERCC6):c.1815delC(H605Qfs*6) is expected to be pathogenic in the context of ERCC6-related disorders. This variant is predicted to lead to an abnormal or absent protein product due to the creation of a premature termination codon in ERCC6, a gene where loss-of-function variants are known to be pathogenic. Please note: this variant was assessed in the context of healthy population screening.